The following is an entry in ClinVar:

NM_001009944.3(PKD1):c.6261_6262del (p.Arg2088fs)

Gene: PKD1 (polycystin 1, transient receptor potential channel interacting; minus strand). Cytogenetic location: 16p13.3.
Variant type: Deletion.
Coding change: c.6261_6262del on transcript NM_001009944.3 (MANE Select); coding-DNA positions 6261 to 6262, 2 bases deleted (CC; older notation c.6261_6262delCC).
Protein change: p.Arg2088fs; shifts the reading frame from arginine 2088.
Molecular consequence: frameshift variant.
Genome position (GRCh38, 1-based): chr16:2,108,905-2,108,906, GG deleted on the plus strand (CC on the coding strand, the reverse complement: PKD1 is on the minus strand); deleting any 2 consecutive bases within chr16:2,108,905-2,108,909 gives the same sequence; the c. name uses the placement nearest the transcript's 3' end. VCF-style (leftmost placement, unchanged base first): chr16-2108904-CGG-C. GRCh37 (hg19) VCF-style: chr16-2158905-CGG-C.
Other names: c.6261_6262del, p.Arg2088fs (NM_000296.4); short protein forms R2088fs.
Identifiers: ClinVar variation 3335858 (VCV003335858.2).

ClinVar aggregate classification (germline): Pathogenic (1 of 4 stars; one submission).

Conditions:
Polycystic kidney disease, adult type (PKD1). Also called: Polycystic Kidney, Autosomal Dominant; POLYCYSTIC KIDNEY DISEASE 1 WITH OR WITHOUT POLYCYSTIC LIVER DISEASE; POLYCYSTIC KIDNEY DISEASE, ADULT, TYPE I; Polycystic Kidney Disease 1, Autosomal Dominant; Polycystic kidney disease 1; Polycystic kidney disease 1, severe. Identifiers: MedGen C3149841, MONDO:0008263, OMIM 173900.

Submission:

Juno Genomics, Hangzhou Juno Genomics, Inc
Classification: Pathogenic for Polycystic kidney disease, adult type. Review status: criteria provided, single submitter. Criteria: ACMG Guidelines, 2015. Collection method: clinical testing. Allele origin: germline. Affected: yes.
Comment: Absent from controls (or at extremely low frequency if recessive) in Genome Aggregation Database, Exome Sequencing Project, 1000 Genomes Project, or Exome Aggregation Consortium.;Null variant in a gene where loss of function (LOF) is a known mechanism of disease.;Patient's phenotype or family history is highly specific for a disease with a single genetic etiology.